The following is an entry in ClinVar:

NM_001367916.1(MAGT1):c.91A>G (p.Arg31Gly)

Genes: MAGT1 (magnesium transporter 1; minus strand), LOC130068460 (ATAC-STARR-seq lymphoblastoid active region 29781; plus strand). Cytogenetic location: Xq21.1.
Variant type: single nucleotide variant.
Coding change: c.91A>G on transcript NM_001367916.1 (MANE Select); coding-DNA position 91, A replaced by G.
Protein change: p.Arg31Gly; replaces arginine 31 with glycine.
Molecular consequence: missense variant.
Genome position (GRCh38, 1-based): chrX:77,895,320, T>C on the plus strand (A>G on the coding strand, the complement: MAGT1 is on the minus strand). VCF-style: chrX-77895320-T-C. GRCh37 (hg19) VCF-style: chrX-77150817-T-C.
Other names: c.187A>G, p.Arg63Gly (NM_032121.5); short protein forms R31G, R63G.
Identifiers: ClinVar variation 3657562 (VCV003657562.2).

ClinVar aggregate classification (germline): Uncertain significance (1 of 4 stars; one submission).

Conditions:
X-linked immunodeficiency with magnesium defect, Epstein-Barr virus infection and neoplasia. Identifiers: Orphanet 317476, MedGen C3275445, MONDO:0010455, OMIM 300853.

Submission:

Labcorp Genetics (formerly Invitae), Labcorp
Classification: Uncertain significance for X-linked immunodeficiency with magnesium defect, Epstein-Barr virus infection and neoplasia. Last evaluated: 2024-06-23. Review status: criteria provided, single submitter. Criteria: Invitae Variant Classification Sherloc (09022015). Collection method: clinical testing. Allele origin: germline.
Comment: This sequence change replaces arginine, which is basic and polar, with glycine, which is neutral and non-polar, at codon 63 of the MAGT1 protein (p.Arg63Gly). This variant is not present in population databases (gnomAD no frequency). This variant has not been reported in the literature in individuals affected with MAGT1-related conditions. An algorithm developed to predict the effect of missense changes on protein structure and function (PolyPhen-2) suggests that this variant is likely to be tolerated. In summary, the available evidence is currently insufficient to determine the role of this variant in disease. Therefore, it has been classified as a Variant of Uncertain Significance.